The following is an entry in ClinVar:

ClinVar aggregate classification (germline): Pathogenic (1 of 4 stars; one submission).

Submission:

GeneDx
Classification: Pathogenic. Last evaluated: 2025-08-13. Review status: criteria provided, single submitter. Criteria: GeneDx Variant Classification Process June 2021. Collection method: clinical testing. Allele origin: germline. Affected: yes.
Comment: Frameshift variant predicted to result in protein truncation or nonsense mediated decay in a gene for which loss of function is a known mechanism of disease; Has not been previously published as pathogenic or benign to our knowledge

NM_001171613.2(PREPL):c.151_162delinsTATCATT (p.Asp51fs)

Gene: PREPL (prolyl endopeptidase like; minus strand). Cytogenetic location: 2p21.
Variant type: Indel.
Coding change: c.151_162delinsTATCATT on transcript NM_001171613.2 (MANE Select); coding-DNA positions 151 to 162, GATAATTATGAA replaced by TATCATT.
Protein change: p.Asp51fs; shifts the reading frame from aspartic acid 51.
Molecular consequence: frameshift variant.
Genome position (GRCh38, 1-based): chr2:44,343,932-44,343,943, TTCATAATTATC replaced by AATGATA on the plus strand (GATAATTATGAA replaced by TATCATT on the coding strand, the reverse complement: PREPL is on the minus strand). VCF-style: chr2-44343932-TTCATAATTATC-AATGATA. GRCh37 (hg19) VCF-style: chr2-44571071-TTCATAATTATC-AATGATA.
Other names: c.418_429delinsTATCATT, p.Asp140fs (NM_006036.4, NM_001042385.2, NM_001042386.2 and 4 more transcripts); c.151_162delinsTATCATT, p.Asp51fs (NM_001171617.1, NM_001374277.1); short protein forms D140fs, D51fs.
Identifiers: ClinVar variation 4795422 (VCV004795422.1).